The following is an entry in ClinVar:

NM_000059.4(BRCA2):c.8732C>A (p.Ala2911Glu)

Gene: BRCA2 (BRCA2 DNA repair associated; plus strand). Cytogenetic location: 13q13.1.
Variant type: single nucleotide variant.
Coding change: c.8732C>A on transcript NM_000059.4 (MANE Select); coding-DNA position 8732, C replaced by A.
Protein change: p.Ala2911Glu; replaces alanine 2911 with glutamic acid.
Molecular consequence: missense variant.
Genome position (GRCh38, 1-based): chr13:32,376,769, C>A. VCF-style: chr13-32376769-C-A. GRCh37 (hg19) VCF-style: chr13-32950906-C-A.
Other names: 8732C-A; short protein forms A2911E.
Identifiers: ClinVar variation 9339 (VCV000009339.8), dbSNP rs80359130, ClinGen allele CA025796.

ClinVar aggregate classification (germline): Uncertain significance. Review status: criteria provided, single submitter (1 of 4 stars). 2 submissions from 2 submitters: Uncertain significance (1). 1 of the submissions does not count toward it. Last evaluated 2024-08-05.

Conditions:
Hereditary breast ovarian cancer syndrome. Also called: Hereditary breast and/or ovarian cancer syndrome; Hereditary breast and ovarian cancer syndrome (HBOC); Hereditary breast and ovarian cancer; Hereditary breast and ovarian cancer syndrome; Breast and ovarian cancer; BRCA1- and BRCA2-Associated Hereditary Breast and Ovarian Cancer. Identifiers: Orphanet 145, MedGen C0677776, MeSH D061325, MONDO:0003582. Disease mechanism: loss of function.
Fanconi anemia complementation group D1. Also called: BRCA2-Related Fanconi Anemia. Identifiers: Orphanet 319462, MedGen C1838457, MONDO:0011584, OMIM 605724.

Submissions (2):

Labcorp Genetics (formerly Invitae), Labcorp
Classification: Uncertain significance for Hereditary breast ovarian cancer syndrome. Last evaluated: 2024-08-05. Review status: criteria provided, single submitter. Criteria: Invitae Variant Classification Sherloc (09022015). Collection method: clinical testing. Allele origin: germline.
Comment: This sequence change replaces alanine, which is neutral and non-polar, with glutamic acid, which is acidic and polar, at codon 2911 of the BRCA2 protein (p.Ala2911Glu). This variant is not present in population databases (gnomAD no frequency). This variant has not been reported in the literature in individuals affected with BRCA2-related conditions. ClinVar contains an entry for this variant (Variation ID: 9339). Advanced modeling of protein sequence and biophysical properties (such as structural, functional, and spatial information, amino acid conservation, physicochemical variation, residue mobility, and thermodynamic stability) performed at Invitae indicates that this missense variant is not expected to disrupt BRCA2 protein function with a negative predictive value of 95%. Experimental studies have shown that this missense change does not substantially affect BRCA2 function (PMID: 32444794). In summary, the available evidence is currently insufficient to determine the role of this variant in disease. Therefore, it has been classified as a Variant of Uncertain Significance.

OMIM
Classification: Pathogenic for FANCONI ANEMIA, COMPLEMENTATION GROUP D1. Last evaluated: 2002-07-26. Review status: no assertion criteria provided. Collection method: literature only. Allele origin: germline. Not counted in ClinVar's aggregate classification.

Literature cited by the submitters: PubMed 32444794 (cited by Labcorp Genetics (formerly Invitae), Labcorp); PubMed 12065746 (cited by OMIM).